The following is an entry in ClinVar:

NM_138959.3(VANGL1):c.451G>C (p.Gly151Arg)

Gene: VANGL1 (VANGL planar cell polarity protein 1; plus strand). Cytogenetic location: 1p13.1.
Variant type: single nucleotide variant.
Coding change: c.451G>C on transcript NM_138959.3 (MANE Select); coding-DNA position 451, G replaced by C.
Protein change: p.Gly151Arg; replaces glycine 151 with arginine.
Molecular consequence: missense variant.
Genome position (GRCh38, 1-based): chr1:115,663,907, G>C. VCF-style: chr1-115663907-G-C. GRCh37 (hg19) VCF-style: chr1-116206528-G-C.
Other names: c.445G>C, p.Gly149Arg (NM_001172411.2); c.451G>C, p.Gly151Arg (NM_001172412.2); short protein forms G149R, G151R.
Identifiers: ClinVar variation 5031668 (VCV005031668.1).

ClinVar aggregate classification (germline): Uncertain significance (1 of 4 stars; one submission).

Conditions:
Inborn genetic diseases. Identifiers: MedGen C0950123, MeSH D030342.

gnomAD v4.1: 2 of 1,614,178 alleles (0.00012%); highest among the groups gnomAD compares: Non-Finnish European, 0.00017%; no homozygotes.

Submission:

Ambry Genetics
Classification: Uncertain significance for Inborn genetic diseases. Last evaluated: 2026-07-03. Review status: criteria provided, single submitter. Criteria: Ambry Variant Classification Scheme 2023. Collection method: clinical testing. Allele origin: germline.
Comment: The c.451G>C (p.G151R) alteration is located in exon 4 (coding exon 3) of the VANGL1 gene. This alteration results from a G to C substitution at nucleotide position 451, causing the glycine (G) at amino acid position 151 to be replaced by an arginine (R). Based on data from gnomAD, the C allele has an overall frequency of <0.001% (1/251482) total alleles studied. The highest observed frequency was 0.001% (1/113756) of European (non-Finnish) alleles. Based on insufficient or conflicting evidence, the clinical significance of this alteration remains unclear.